The following is an entry in ClinVar:

ClinVar aggregate classification (germline): Benign/Likely benign. Review status: criteria provided, multiple submitters, no conflicts (2 of 4 stars). 22 submissions from 22 submitters: Benign (13); Likely benign (5). 4 of the submissions do not count toward it. Last evaluated 2026-03-30.

Conditions:
Hereditary cancer-predisposing syndrome. Also called: Tumor predisposition; Neoplastic Syndromes, Hereditary; Hereditary neoplastic syndrome; Hereditary Cancer Syndrome. Identifiers: Orphanet 140162, MedGen C0027672, MeSH D009386, MONDO:0015356.
Melanoma-pancreatic cancer syndrome. Identifiers: Orphanet 404560, MedGen C1838547, MONDO:0011713, OMIM 606719. Disease mechanism: loss of function.
Melanoma, cutaneous malignant, susceptibility to, 2 (CMM2). Also called: CDKN2A-Related Cutaneous Malignant Melanoma; Cutaneous malignant melanoma 2. Identifiers: Orphanet 618, MedGen C1835044, MONDO:0007964, OMIM 155601.
Melanoma and neural system tumor syndrome. Also called: MELANOMA-ASTROCYTOMA SYNDROME. Identifiers: Orphanet 252206, MedGen C1835042, MONDO:0007967, OMIM 155755.
Familial melanoma. Also called: Hereditary melanoma; Hereditary cutaneous melanoma. Identifiers: Orphanet 618, MedGen C1512419, MONDO:0018961.

Allele frequency attached by ClinVar (database versions not stated): gnomAD 0.00490 and 0.00527; ESP Exome Variant Server 0.00546; TOPMed 0.00611; 1000 Genomes Project 0.00739; 1000 Genomes Project 30x 0.00796.
gnomAD v4.1: 1,532 of 1,610,798 alleles (0.095%); highest among the groups gnomAD compares: African/African-American, 1.7%; 13 homozygotes.

Submissions (22):

Dasa
Classification: Benign. Last evaluated: 2026-03-30. Review status: criteria provided, single submitter. Criteria: DASA Assertion Criteria. Collection method: clinical testing. Allele origin: germline.
Comment: NM_000077.5(CDKN2A):c.379G>T (p.Ala127Ser) is a missense variant that results in the substitution of alanine with serine. Population frequency is inconsistent with a disease-causing role for this variant, and observations in unaffected individuals support a benign interpretation. Therefore, based on the currently available evidence, this variant is classified as benign.

Labcorp Genetics (formerly Invitae), Labcorp
Classification: Benign for Familial melanoma. Last evaluated: 2026-02-03. Review status: criteria provided, single submitter. Criteria: Invitae Variant Classification Sherloc (09022015). Collection method: clinical testing. Allele origin: germline.

Center for Genomic Medicine, Rigshospitalet, Copenhagen University Hospital
Classification: Likely benign. Last evaluated: 2025-03-04. Review status: criteria provided, single submitter. Criteria: ACMG Guidelines, 2015. Collection method: clinical testing. Allele origin: germline.

KCCC/NGS Laboratory, Kuwait Cancer Control Center
Classification: Benign for Melanoma, cutaneous malignant, susceptibility to, 2. Last evaluated: 2025-02-01. Review status: criteria provided, single submitter. Criteria: ACMG Guidelines, 2015. Collection method: clinical testing. Allele origin: germline. Affected: no.

Department of Pathology and Laboratory Medicine, Sinai Health System
Classification: Benign for Melanoma-pancreatic cancer syndrome. Last evaluated: 2024-10-22. Review status: criteria provided, single submitter. Criteria: ACMG Guidelines, 2015. Collection method: clinical testing. Allele origin: germline. Affected: yes.

ARUP Laboratories, Molecular Genetics and Genomics, ARUP Laboratories
Classification: Benign. Last evaluated: 2024-10-02. Review status: criteria provided, single submitter. Criteria: ARUP Molecular Germline Variant Investigation Process 2024. Collection method: clinical testing. Allele origin: germline.

Blueprint Genetics
Classification: Likely benign. Last evaluated: 2024-09-04. Review status: criteria provided, single submitter. Criteria: ACMG Guidelines, 2015. Collection method: clinical testing. Allele origin: germline.

Quest Diagnostics Nichols Institute San Juan Capistrano
Classification: Benign. Last evaluated: 2022-08-15. Review status: criteria provided, single submitter. Criteria: Quest Diagnostics criteria. Collection method: clinical testing. Allele origin: unknown.

Fulgent Genetics
Classification: Likely benign for Melanoma, cutaneous malignant, susceptibility to, 2; Melanoma and neural system tumor syndrome; Melanoma-pancreatic cancer syndrome. Last evaluated: 2022-05-15. Review status: criteria provided, single submitter. Criteria: ACMG Guidelines, 2015. Collection method: clinical testing. Allele origin: unknown.

Sema4
Classification: Benign for Hereditary cancer-predisposing syndrome. Last evaluated: 2020-03-26. Review status: criteria provided, single submitter. Criteria: Sema4 Curation Guidelines. Collection method: curation. Allele origin: germline.

Mendelics
Classification: Benign for Melanoma-pancreatic cancer syndrome. Last evaluated: 2019-05-28. Review status: criteria provided, single submitter. Criteria: Mendelics Assertion Criteria 2017. Collection method: clinical testing. Allele origin: unknown.

GeneDx
Classification: Benign. Last evaluated: 2018-12-06. Review status: criteria provided, single submitter. Criteria: GeneDx Variant Classification Process June 2021. Collection method: clinical testing. Allele origin: germline. Affected: yes.
Comment: This variant is associated with the following publications: (PMID: 26650189, 28944238, 18983535, 25780468, 7970734, 26104880, 22703879, 22995991, 25064638, 15860862, 20981092, 24728327, 9823374, 19141585, 26775776, 7777061, 10498896, 21462282, 12485439, 29552713, 20505745, 18573309)

Eurofins Ntd Llc (ga)
Classification: Likely benign. Last evaluated: 2018-03-12. Review status: criteria provided, single submitter. Criteria: EGL ClinVar v180209 classification definitions. Collection method: clinical testing. Allele origin: germline. Observed: 1 variant allele, 1 heterozygote.

Genetic Services Laboratory, University of Chicago
Classification: Benign. Last evaluated: 2017-10-30. Review status: criteria provided, single submitter. Criteria: ACMG Guidelines, 2015. Collection method: clinical testing. Allele origin: germline. Affected: no.

PreventionGenetics, part of Exact Sciences
Classification: Benign. Last evaluated: 2017-05-01. Review status: criteria provided, single submitter. Criteria: ACMG Guidelines, 2015. Collection method: clinical testing. Allele origin: germline.

Color Diagnostics, LLC DBA Color Health
Classification: Benign for Hereditary cancer-predisposing syndrome. Last evaluated: 2016-03-23. Review status: criteria provided, single submitter. Criteria: ACMG Guidelines, 2015. Collection method: clinical testing. Allele origin: germline.

Ambry Genetics
Classification: Benign for Hereditary cancer-predisposing syndrome. Last evaluated: 2014-12-26. Review status: criteria provided, single submitter. Criteria: Ambry Variant Classification Scheme 2023. Collection method: clinical testing. Allele origin: germline.

Breakthrough Genomics
Classification: Likely benign. Review status: criteria provided, single submitter. Criteria: ACMG Guidelines, 2015. Collection method: not provided. Allele origin: germline. Inheritance: Autosomal dominant inheritance. Affected: yes.

True Health Diagnostics
Classification: Benign for Hereditary cancer-predisposing syndrome. Last evaluated: 2017-10-10. Review status: no assertion criteria provided. Collection method: clinical testing. Allele origin: germline. Not counted in ClinVar's aggregate classification.

Counsyl
Classification: Benign for Melanoma-pancreatic cancer syndrome. Last evaluated: 2016-07-12. Review status: no assertion criteria provided. Collection method: clinical testing. Allele origin: unknown. Not counted in ClinVar's aggregate classification.

ITMI
No classification provided. Condition: AllHighlyPenetrant. Last evaluated: 2013-09-19. Review status: no classification provided. Collection method: reference population. Allele origin: germline. Not counted in ClinVar's aggregate classification.
Comment: Please see associated publication for description of ethnicities

Biesecker Lab/Clinical Genomics Section, National Institutes of Health
Classification: Benign. Last evaluated: 2012-07-13. Review status: no assertion criteria provided. Collection method: research. Allele origin: germline. Affected: no. Observed: 1 variant allele. Study: ClinSeq. Not counted in ClinVar's aggregate classification.
ClinVar note: Converted during submission from no known pathogenicity to Benign.

Literature cited by the submitters: PubMed 34426522 (cited by Department of Pathology and Laboratory Medicine, Sinai Health System and Quest Diagnostics Nichols Institute San Juan Capistrano); PubMed 28944238 (cited by Department of Pathology and Laboratory Medicine, Sinai Health System and Quest Diagnostics Nichols Institute San Juan Capistrano); PubMed 26104880 (cited by 3 submitters); PubMed 25780468 (cited by 3 submitters); PubMed 24728327 (cited by 3 submitters); PubMed 21462282 (cited by 4 submitters); PubMed 18983535 (cited by 3 submitters); PubMed 12485439 (cited by 4 submitters); PubMed 10498896 (cited by Quest Diagnostics Nichols Institute San Juan Capistrano); PubMed 26775776 (cited by Quest Diagnostics Nichols Institute San Juan Capistrano); PubMed 18573309 (cited by Quest Diagnostics Nichols Institute San Juan Capistrano); PubMed 20505745 (cited by Quest Diagnostics Nichols Institute San Juan Capistrano); PubMed 8595411 (cited by Quest Diagnostics Nichols Institute San Juan Capistrano and Counsyl); PubMed 7777061 (cited by Quest Diagnostics Nichols Institute San Juan Capistrano and Counsyl); PubMed 11595726 (cited by Quest Diagnostics Nichols Institute San Juan Capistrano); PubMed 7970734 (cited by Quest Diagnostics Nichols Institute San Juan Capistrano); PubMed 22995991 (cited by Quest Diagnostics Nichols Institute San Juan Capistrano and Ambry Genetics); PubMed 25064638 (cited by Quest Diagnostics Nichols Institute San Juan Capistrano); PubMed 15860862 (cited by Quest Diagnostics Nichols Institute San Juan Capistrano and Ambry Genetics); PubMed 9823374 (cited by Quest Diagnostics Nichols Institute San Juan Capistrano and Ambry Genetics); PubMed 7972006 (cited by Ambry Genetics); PubMed 19141585 (cited by Counsyl).

NM_000077.5(CDKN2A):c.379G>T (p.Ala127Ser)

Gene: CDKN2A (cyclin dependent kinase inhibitor 2A; minus strand). Cytogenetic location: 9p21.3.
Variant type: single nucleotide variant.
Coding change: c.379G>T on transcript NM_000077.5; coding-DNA position 379, G replaced by T.
Protein change: p.Ala127Ser; replaces alanine 127 with serine.
Molecular consequence: missense variant (on NM_000077.6). On other transcripts: 3 prime UTR variant (2).
Genome position (GRCh38, 1-based): chr9:21,970,980, C>A on the plus strand (G>T on the coding strand, the complement: CDKN2A is on the minus strand). VCF-style: chr9-21970980-C-A. GRCh37 (hg19) VCF-style: chr9-21970979-C-A.
Other names: p.A127S:GCA>TCA; c.379G>T, p.Ala127Ser (NM_000077.6, NM_001195132.2); c.226G>T, p.Ala76Ser (NM_001363763.2); c.*23G>T (NM_058195.4); c.*302G>T (NM_058197.5); short protein forms A127S, A76S.
Identifiers: ClinVar variation 41578 (VCV000041578.46), dbSNP rs6413464, ClinGen allele CA158067.